The following is an entry in ClinVar:

ClinVar aggregate classification (germline): Uncertain significance (1 of 4 stars; one submission).

Conditions:
Aortic valve disease 2 (AOVD2). Identifiers: MedGen C3542024, MONDO:0013902, OMIM 614823.

gnomAD v4.1: 1 of 1,247,430 alleles (0.00008%); highest among the groups gnomAD compares: Non-Finnish European, 0.0001%; no homozygotes.

Submission:

Labcorp Genetics (formerly Invitae), Labcorp
Classification: Uncertain significance for Aortic valve disease 2. Last evaluated: 2024-07-16. Review status: criteria provided, single submitter. Criteria: Invitae Variant Classification Sherloc (09022015). Collection method: clinical testing. Allele origin: germline.
Comment: This sequence change replaces alanine, which is neutral and non-polar, with valine, which is neutral and non-polar, at codon 71 of the SMAD6 protein (p.Ala71Val). This variant is not present in population databases (gnomAD no frequency). This variant has not been reported in the literature in individuals affected with SMAD6-related conditions. An algorithm developed to predict the effect of missense changes on protein structure and function outputs the following: PolyPhen-2: "Benign". The valine amino acid residue is found in multiple mammalian species, which suggests that this missense change does not adversely affect protein function. In summary, the available evidence is currently insufficient to determine the role of this variant in disease. Therefore, it has been classified as a Variant of Uncertain Significance.

NM_005585.5(SMAD6):c.212C>T (p.Ala71Val)

Gene: SMAD6 (SMAD family member 6; plus strand). Cytogenetic location: 15q22.31.
Variant type: single nucleotide variant.
Coding change: c.212C>T on transcript NM_005585.5 (MANE Select); coding-DNA position 212, C replaced by T.
Protein change: p.Ala71Val; replaces alanine 71 with valine.
Molecular consequence: missense variant. On other transcripts: non-coding transcript variant (1).
Genome position (GRCh38, 1-based): chr15:66,703,470, C>T. VCF-style: chr15-66703470-C-T. GRCh37 (hg19) VCF-style: chr15-66995808-C-T.
Other names: short protein forms A71V.
Identifiers: ClinVar variation 3690147 (VCV003690147.2).
Genomic context (GRCh38, chr15:66,703,470, plus strand): 5'-AGGGCGGAGGCTGCGGCCGCTCCGAAGTCCGCCCGGTAGCCCCGCGGCGGCCCCGGGACG[C>T]AGTGGGACAGCGAGGCGCCCAGGGCGCGGGGAGGCGCCGGCGCGCAGGGGGCCCCCCGAG-3'
Protein context (NP_005576.3, residues 61-81): RPVAPRRPRD[Ala71Val]VGQRGAQGAG